The following is an entry in ClinVar:

ClinVar aggregate classification (germline): Uncertain significance (1 of 4 stars; one submission).

Submission:

Labcorp Genetics (formerly Invitae), Labcorp
Classification: Uncertain significance. Last evaluated: 2025-04-07. Review status: criteria provided, single submitter. Criteria: Invitae Variant Classification Sherloc (09022015). Collection method: clinical testing. Allele origin: germline.
Comment: This sequence change replaces methionine, which is neutral and non-polar, with arginine, which is basic and polar, at codon 1718 of the KAT6A protein (p.Met1718Arg). This variant is not present in population databases (gnomAD no frequency). This variant has not been reported in the literature in individuals affected with KAT6A-related conditions. Invitae Evidence Modeling of protein sequence and biophysical properties (such as structural, functional, and spatial information, amino acid conservation, physicochemical variation, residue mobility, and thermodynamic stability) indicates that this missense variant is not expected to disrupt KAT6A protein function with a negative predictive value of 95%. In summary, the available evidence is currently insufficient to determine the role of this variant in disease. Therefore, it has been classified as a Variant of Uncertain Significance.

NM_006766.5(KAT6A):c.5153T>G (p.Met1718Arg)

Gene: KAT6A (lysine acetyltransferase 6A; minus strand). Cytogenetic location: 8p11.21.
Variant type: single nucleotide variant.
Coding change: c.5153T>G on transcript NM_006766.5 (MANE Select); coding-DNA position 5153, T replaced by G.
Protein change: p.Met1718Arg; replaces methionine 1718 with arginine.
Molecular consequence: missense variant.
Genome position (GRCh38, 1-based): chr8:41,933,067, A>C on the plus strand (T>G on the coding strand, the complement: KAT6A is on the minus strand). VCF-style: chr8-41933067-A-C. GRCh37 (hg19) VCF-style: chr8-41790585-A-C.
Other names: short protein forms M1718R.
Identifiers: ClinVar variation 4771416 (VCV004771416.1).